The following is an entry in ClinVar:

NM_001005242.3(PKP2):c.1583G>A (p.Gly528Glu)

Gene: PKP2 (plakophilin 2; minus strand). Cytogenetic location: 12p11.21.
Variant type: single nucleotide variant.
Coding change: c.1583G>A on transcript NM_001005242.3 (MANE Select); coding-DNA position 1583, G replaced by A.
Protein change: p.Gly528Glu; replaces glycine 528 with glutamic acid.
Molecular consequence: missense variant.
Genome position (GRCh38, 1-based): chr12:32,824,136, C>T on the plus strand (G>A on the coding strand, the complement: PKP2 is on the minus strand). VCF-style: chr12-32824136-C-T. GRCh37 (hg19) VCF-style: chr12-32977070-C-T.
Other names: c.1715G>A, p.Gly572Glu (NM_004572.4); short protein forms G528E, G572E.
Identifiers: ClinVar variation 1172432 (VCV001172432.3), dbSNP rs2137783679, ClinGen allele CA384365019.

ClinVar aggregate classification (germline): Uncertain significance (1 of 4 stars; one submission).

Conditions:
Cardiomyopathy (CMYO). Also called: Cardiomyopathies. Identifiers: Orphanet 167848, MedGen C0878544, MONDO:0004994, HP:0001638. Inheritance: Various modes of inheritance.

Submission:

Color Diagnostics, LLC DBA Color Health
Classification: Uncertain significance for Cardiomyopathy. Last evaluated: 2024-03-07. Review status: criteria provided, single submitter. Criteria: ACMG Guidelines, 2015. Collection method: clinical testing. Allele origin: germline.
Comment: This missense variant replaces glycine with glutamic acid at codon 572 of the PKP2 protein. Computational prediction is inconclusive regarding the impact of this variant on protein structure and function (internally defined REVEL score threshold 0.5 < inconclusive < 0.7, PMID: 27666373). To our knowledge, functional studies have not been reported for this variant. This variant has not been reported in individuals affected with cardiovascular disorders in the literature. This variant has not been identified in the general population by the Genome Aggregation Database (gnomAD). The available evidence is insufficient to determine the role of this variant in disease conclusively. Therefore, this variant is classified as a Variant of Uncertain Significance.